The following is an entry in ClinVar:

ClinVar aggregate classification (germline): Pathogenic. Review status: criteria provided, multiple submitters, no conflicts (2 of 4 stars). 2 submissions from 2 submitters: Pathogenic (2). Last evaluated 2023-07-11.

Conditions:
FBN1-related disorder. Also called: FBN1-related disorders.
Marfan syndrome (MFS). Also called: MARFAN SYNDROME, TYPE I; Marfan syndrome type 1; Marfan's syndrome; Marfan syndrome, classic; FBN1-Related Marfan Syndrome. Identifiers: Orphanet 284963, Orphanet 558, MedGen C0024796, MONDO:0007947, OMIM 154700.
Familial thoracic aortic aneurysm and aortic dissection (TAAD). Also called: Thoracic aortic aneurysms and dissections. Identifiers: Orphanet 91387, MedGen C4707243, MONDO:0019625.

Submissions (2):

Labcorp Genetics (formerly Invitae), Labcorp
Classification: Pathogenic for Marfan syndrome; Familial thoracic aortic aneurysm and aortic dissection. Last evaluated: 2023-07-11. Review status: criteria provided, single submitter. Criteria: Invitae Variant Classification Sherloc (09022015). Collection method: clinical testing. Allele origin: germline.
Comment: This premature translational stop signal has been observed in individual(s) with FBN1-related conditions (PMID: 26787436). For these reasons, this variant has been classified as Pathogenic. This variant is not present in population databases (gnomAD no frequency). This sequence change creates a premature translational stop signal (p.Cys1977*) in the FBN1 gene. It is expected to result in an absent or disrupted protein product. Loss-of-function variants in FBN1 are known to be pathogenic (PMID: 17657824, 19293843).

Blueprint Genetics
Classification: Pathogenic for FBN1-related disorders. Last evaluated: 2021-03-08. Review status: criteria provided, single submitter. Criteria: ACMG Guidelines, 2015. Collection method: clinical testing. Allele origin: germline. Affected: yes. Observed: 2 variant alleles.

Literature cited by the submitters: PubMed 26787436 (cited by Labcorp Genetics (formerly Invitae), Labcorp); PubMed 17657824 (cited by Labcorp Genetics (formerly Invitae), Labcorp); PubMed 19293843 (cited by Labcorp Genetics (formerly Invitae), Labcorp).

NM_000138.5(FBN1):c.5931T>A (p.Cys1977Ter)

Gene: FBN1 (fibrillin 1; minus strand). Cytogenetic location: 15q21.1.
Variant type: single nucleotide variant.
Coding change: c.5931T>A on transcript NM_000138.5 (MANE Select); coding-DNA position 5931, T replaced by A.
Protein change: p.Cys1977Ter; replaces cysteine 1977 with a stop codon.
Molecular consequence: nonsense.
Genome position (GRCh38, 1-based): chr15:48,444,647, A>T on the plus strand (T>A on the coding strand, the complement: FBN1 is on the minus strand). VCF-style: chr15-48444647-A-T. GRCh37 (hg19) VCF-style: chr15-48736844-A-T.
Other names: c.5931T>A, p.Cys1977Ter (NM_001406716.1); short protein forms C1977*.
Identifiers: ClinVar variation 2925540 (VCV002925540.4), dbSNP rs2505452256, ClinGen allele CA392339876.